The following is an entry in ClinVar:

ClinVar aggregate classification (germline): Likely benign (0 of 4 stars; one submission).

Conditions:
KDM2B-related disorder. Also called: KDM2B-related condition.

Allele frequency attached by ClinVar (database versions not stated): ExAC 0.00012; gnomAD 0.00015; TOPMed 0.00015; ESP Exome Variant Server 0.00016.
gnomAD v4.1: 142 of 1,585,128 alleles (0.009%); highest among the groups gnomAD compares: Non-Finnish European, 0.011%; no homozygotes.

Submission:

PreventionGenetics, part of Exact Sciences
Classification: Likely benign for KDM2B-related condition. Last evaluated: 2019-03-22. Review status: no assertion criteria provided. Collection method: clinical testing. Allele origin: germline.
Comment: This variant is classified as likely benign based on ACMG/AMP sequence variant interpretation guidelines (Richards et al. 2015 PMID: 25741868, with internal and published modifications).

NM_032590.5(KDM2B):c.576+8C>T

Gene: KDM2B (lysine demethylase 2B; minus strand). Cytogenetic location: 12q24.31.
Variant type: single nucleotide variant.
Coding change: c.576+8C>T on transcript NM_032590.5 (MANE Select); 8 bases into the intron after coding-DNA position 576, C replaced by T.
Molecular consequence: intron variant.
Genome position (GRCh38, 1-based): chr12:121,549,452, G>A on the plus strand (C>T on the coding strand, the complement: KDM2B is on the minus strand). VCF-style: chr12-121549452-G-A. GRCh37 (hg19) VCF-style: chr12-121987357-G-A.
Other names: c.483+8C>T (NM_001005366.2).
Identifiers: ClinVar variation 3039617 (VCV003039617.2), dbSNP rs376414870, ClinGen allele CA6837185.